The following is an entry in ClinVar:

ClinVar aggregate classification (germline): Pathogenic (1 of 4 stars; one submission).

Conditions:
Glycogen storage disease, type VII (GSD7). Also called: PFKM DEFICIENCY; TARUI DISEASE; GSD VII; MUSCLE PHOSPHOFRUCTOKINASE DEFICIENCY. Identifiers: Orphanet 371, MedGen C0017926, MONDO:0009295, OMIM 232800.

Submission:

Labcorp Genetics (formerly Invitae), Labcorp
Classification: Pathogenic for Glycogen storage disease, type VII. Last evaluated: 2022-04-12. Review status: criteria provided, single submitter. Criteria: Invitae Variant Classification Sherloc (09022015). Collection method: clinical testing. Allele origin: germline.
Comment: This sequence change creates a premature translational stop signal (p.Gly97Aspfs*10) in the PFKM gene. It is expected to result in an absent or disrupted protein product. Loss-of-function variants in PFKM are known to be pathogenic (PMID: 7825568, 8037209). For these reasons, this variant has been classified as Pathogenic. This variant has not been reported in the literature in individuals affected with PFKM-related conditions. This variant is not present in population databases (gnomAD no frequency).

Literature cited by the submitters: PubMed 7825568; PubMed 8037209.

NM_000289.6(PFKM):c.290del (p.Gly97fs)

Gene: PFKM (phosphofructokinase, muscle; plus strand). Cytogenetic location: 12q13.11.
Variant type: Deletion.
Coding change: c.290del on transcript NM_000289.6 (MANE Select); coding-DNA position 290, one base deleted (G; older notation c.290delG).
Protein change: p.Gly97fs; shifts the reading frame from glycine 97.
Molecular consequence: frameshift variant. On other transcripts: non-coding transcript variant (6).
Genome position (GRCh38, 1-based): chr12:48,132,920, G deleted; the last of 2 consecutive G bases (chr12:48,132,919-48,132,920); deleting either gives the same sequence. VCF-style (leftmost placement, unchanged base first): chr12-48132918-AG-A. GRCh37 (hg19) VCF-style: chr12-48526701-AG-A.
Other names: c.503del, p.Gly168fs (NM_001166686.2, NM_001354737.1, NM_001354738.1 and 1 more transcripts); c.290del, p.Gly97fs (NM_001166687.2, NM_001166688.2, NM_001354742.2 and 4 more transcripts); c.599del, p.Gly200fs (NM_001354735.1, NM_001354736.1); c.434del, p.Gly145fs (NM_001354740.1); c.314del, p.Gly105fs (NM_001354741.2); c.203del, p.Gly68fs (NM_001354745.2); c.140del, p.Gly47fs (NM_001354747.2, NM_001354748.2); short protein forms G68fs, G97fs, G168fs, G47fs, G105fs, G145fs, G200fs.
Identifiers: ClinVar variation 2125307 (VCV002125307.4), dbSNP rs2540899502, ClinGen allele CA2580085474.